The following is an entry in ClinVar:

ClinVar aggregate classification (germline): Uncertain significance. Review status: criteria provided, multiple submitters, no conflicts (2 of 4 stars). 3 submissions from 3 submitters: Uncertain significance (3). Last evaluated 2025-09-11.

Conditions:
Inborn genetic diseases. Identifiers: MedGen C0950123, MeSH D030342.

Allele frequency attached by ClinVar (database versions not stated): TOPMed 0.00007; ExAC 0.00005; gnomAD 0.00007; ESP Exome Variant Server 0.00008; gnomAD exomes 0.00013.
gnomAD v4.1: 210 of 1,613,144 alleles (0.013%); highest among the groups gnomAD compares: Non-Finnish European, 0.017%; 1 homozygote.

Submissions (3):

Ambry Genetics
Classification: Uncertain significance for Inborn genetic diseases. Last evaluated: 2025-09-11. Review status: criteria provided, single submitter. Criteria: Ambry Variant Classification Scheme 2023. Collection method: clinical testing. Allele origin: germline.

GeneDx
Classification: Uncertain significance. Last evaluated: 2025-06-24. Review status: criteria provided, single submitter. Criteria: GeneDx Variant Classification Process June 2021. Collection method: clinical testing. Allele origin: germline. Affected: yes.
Comment: Not observed at significant frequency in large population cohorts (gnomAD); In silico analysis suggests that this missense variant does not alter protein structure/function; Has not been previously published as pathogenic or benign to our knowledge

Athena Diagnostics
Classification: Uncertain significance. Last evaluated: 2023-02-16. Review status: criteria provided, single submitter. Criteria: Athena Diagnostics Criteria. Collection method: clinical testing. Allele origin: unknown.
Comment: Available data are insufficient to determine the clinical significance of the variant at this time. The frequency of this variant in the general population is uninformative in assessment of its pathogenicity. Computational tools predict that this variant is not damaging.

NM_033305.3(VPS13A):c.7207A>G (p.Thr2403Ala)

Gene: VPS13A (vacuolar protein sorting 13 homolog A; plus strand). Cytogenetic location: 9q21.2.
Variant type: single nucleotide variant.
Coding change: c.7207A>G on transcript NM_033305.3 (MANE Select); coding-DNA position 7207, A replaced by G.
Protein change: p.Thr2403Ala; replaces threonine 2403 with alanine.
Molecular consequence: missense variant.
Genome position (GRCh38, 1-based): chr9:77,345,060, A>G. VCF-style: chr9-77345060-A-G. GRCh37 (hg19) VCF-style: chr9-79959976-A-G.
Other names: c.7090A>G, p.Thr2364Ala (NM_001018037.2); c.7207A>G, p.Thr2403Ala (NM_001018038.3, NM_015186.4); short protein forms T2364A, T2403A.
Identifiers: ClinVar variation 2594100 (VCV002594100.5), dbSNP rs145703013, ClinGen allele CA5093270.